The following is an entry in ClinVar:

ClinVar aggregate classification (germline): Uncertain significance (1 of 4 stars; one submission).

Submission:

GeneDx
Classification: Uncertain significance. Last evaluated: 2024-07-18. Review status: criteria provided, single submitter. Criteria: GeneDx Variant Classification Process June 2021. Collection method: clinical testing. Allele origin: germline. Affected: yes.
Comment: Not observed at significant frequency in large population cohorts (gnomAD); In silico analysis supports that this missense variant has a deleterious effect on protein structure/function; Has not been previously published as pathogenic or benign to our knowledge

NM_001378452.1(ITPR1):c.3196G>T (p.Gly1066Cys)

Gene: ITPR1 (inositol 1,4,5-trisphosphate receptor type 1; plus strand). Cytogenetic location: 3p26.1.
Variant type: single nucleotide variant.
Coding change: c.3196G>T on transcript NM_001378452.1 (MANE Select); coding-DNA position 3196, G replaced by T.
Protein change: p.Gly1066Cys; replaces glycine 1066 with cysteine.
Molecular consequence: missense variant.
Genome position (GRCh38, 1-based): chr3:4,683,420, G>T. VCF-style: chr3-4683420-G-T. GRCh37 (hg19) VCF-style: chr3-4725104-G-T.
Other names: c.3169G>T, p.Gly1057Cys (NM_001099952.4); c.3151G>T, p.Gly1051Cys (NM_001168272.2); c.3124G>T, p.Gly1042Cys (NM_002222.7); short protein forms G1042C, G1051C, G1057C, G1066C.
Identifiers: ClinVar variation 3573902 (VCV003573902.1).
Genomic context (GRCh38, chr3:4,683,420, plus strand): 5'-CCTTTCCCCACCTTGTGCTCCTTTAGTGAGGAGAACACCCCACTGGACTTGGATGACCAC[G>T]GCGGCAGAACCTTTCTCCGTGTCCTGCTCCACTTGACGATGCATGACTACCCACCCCTGG-3'
Protein context (NP_001365381.1, residues 1056-1076): ENTPLDLDDH[Gly1066Cys]GRTFLRVLLH